The following is an entry in ClinVar:

ClinVar aggregate classification (germline): Uncertain significance. Review status: criteria provided, multiple submitters, no conflicts (2 of 4 stars). 3 submissions from 3 submitters: Uncertain significance (3). Last evaluated 2026-04-30.

Conditions:
PDE6B-related disorder. Also called: PDE6B-related disease; PDE6B-related condition; PDE6B-related disorders.

Allele frequency attached by ClinVar (database versions not stated): gnomAD exomes below 0.00001; ExAC 0.00001; gnomAD 0.00002; TOPMed 0.00003.
gnomAD v4.1: 12 of 1,612,894 alleles (0.00074%); highest among the groups gnomAD compares: African/African-American, 0.015%; no homozygotes.

Submissions (3):

PreventionGenetics, part of Exact Sciences
Classification: Uncertain significance for PDE6B-related condition. Last evaluated: 2026-04-30. Review status: criteria provided, single submitter. Criteria: ACMG Guidelines, 2015. Collection method: clinical testing. Allele origin: germline.
Comment: The PDE6B c.491C>T variant is predicted to result in the amino acid substitution p.Ala164Val. To our knowledge, this variant has not been reported in the literature. This variant is reported in 0.0029% of alleles in individuals of Latino descent in gnomAD. At this time, the clinical significance of this variant is uncertain due to the absence of conclusive functional and genetic evidence.

Blueprint Genetics
Classification: Uncertain significance. Last evaluated: 2023-09-14. Review status: criteria provided, single submitter. Criteria: ACMG Guidelines, 2015. Collection method: clinical testing. Allele origin: germline.

Labcorp Genetics (formerly Invitae), Labcorp
Classification: Uncertain significance. Last evaluated: 2022-09-27. Review status: criteria provided, single submitter. Criteria: Invitae Variant Classification Sherloc (09022015). Collection method: clinical testing. Allele origin: germline.
Comment: This variant is present in population databases (rs746748194, gnomAD 0.003%). This sequence change replaces alanine, which is neutral and non-polar, with valine, which is neutral and non-polar, at codon 164 of the PDE6B protein (p.Ala164Val). This variant has not been reported in the literature in individuals affected with PDE6B-related conditions. In summary, the available evidence is currently insufficient to determine the role of this variant in disease. Therefore, it has been classified as a Variant of Uncertain Significance. Advanced modeling of protein sequence and biophysical properties (such as structural, functional, and spatial information, amino acid conservation, physicochemical variation, residue mobility, and thermodynamic stability) performed at Invitae indicates that this missense variant is not expected to disrupt PDE6B protein function. ClinVar contains an entry for this variant (Variation ID: 853440).

NM_000283.4(PDE6B):c.491C>T (p.Ala164Val)

Gene: PDE6B (phosphodiesterase 6B; plus strand). Cytogenetic location: 4p16.3.
Variant type: single nucleotide variant.
Coding change: c.491C>T on transcript NM_000283.4 (MANE Select); coding-DNA position 491, C replaced by T.
Protein change: p.Ala164Val; replaces alanine 164 with valine.
Molecular consequence: missense variant.
Genome position (GRCh38, 1-based): chr4:634,699, C>T. VCF-style: chr4-634699-C-T. GRCh37 (hg19) VCF-style: chr4-628488-C-T.
Other names: c.491C>T, p.Ala164Val (NM_001145291.2); short protein forms A164V.
Identifiers: ClinVar variation 853440 (VCV000853440.11), dbSNP rs746748194, ClinGen allele CA2793980.